The following is an entry in ClinVar:

NM_001136193.2(FASTKD2):c.1208T>C (p.Leu403Pro)

Gene: FASTKD2 (FAST kinase domains 2; plus strand). Cytogenetic location: 2q33.3.
Variant type: single nucleotide variant.
Coding change: c.1208T>C on transcript NM_001136193.2 (MANE Select); coding-DNA position 1208, T replaced by C.
Protein change: p.Leu403Pro; replaces leucine 403 with proline.
Molecular consequence: missense variant.
Genome position (GRCh38, 1-based): chr2:206,772,274, T>C. VCF-style: chr2-206772274-T-C. GRCh37 (hg19) VCF-style: chr2-207636998-T-C.
Other names: c.1208T>C, p.Leu403Pro (NM_001136194.2, NM_014929.4); short protein forms L403P.
Identifiers: ClinVar variation 3900484 (VCV003900484.1).

ClinVar aggregate classification (germline): Uncertain significance (1 of 4 stars; one submission).

gnomAD v4.1: 3 of 1,614,084 alleles (0.00019%); highest among the groups gnomAD compares: South Asian, 0.0011%; no homozygotes.

Submission:

GeneDx
Classification: Uncertain significance. Last evaluated: 2024-11-20. Review status: criteria provided, single submitter. Criteria: GeneDx Variant Classification Process June 2021. Collection method: clinical testing. Allele origin: germline. Affected: yes.
Comment: Not observed at significant frequency in large population cohorts (gnomAD); In silico analysis supports that this missense variant has a deleterious effect on protein structure/function; Has not been previously published as pathogenic or benign to our knowledge